The following is an entry in ClinVar:

ClinVar aggregate classification (germline): Conflicting classifications of pathogenicity. Review status: criteria provided, conflicting classifications (1 of 4 stars). 6 submissions from 6 submitters: Uncertain significance (1); Likely benign (5). Last evaluated 2026-06-28.

Conditions:
CFTR-related disorder (CFTR-RD). Also called: CFTR-related condition; CFTR-related disorders. Identifiers: MedGen C5924204, MONDO:7770004.
Cystic fibrosis (CF). Also called: MUCOVISCIDOSIS. Identifiers: Orphanet 586, MedGen C0010674, MONDO:0009061, OMIM 219700. Disease mechanism: loss of function.

gnomAD v4.1: 16 of 1,614,036 alleles (0.00099%); highest among the groups gnomAD compares: Non-Finnish European, 0.0014%; no homozygotes.

Submissions (6):

PreventionGenetics, part of Exact Sciences
Classification: Likely benign for CFTR-related condition. Last evaluated: 2026-06-28. Review status: criteria provided, single submitter. Criteria: ACMG Guidelines, 2015. Collection method: clinical testing. Allele origin: germline.
Comment: This variant is classified as likely benign based on ACMG/AMP sequence variant interpretation guidelines (Richards et al. 2015 PMID: 25741868, with internal and published modifications).

Labcorp Genetics (formerly Invitae), Labcorp
Classification: Likely benign for Cystic fibrosis. Last evaluated: 2023-12-04. Review status: criteria provided, single submitter. Criteria: Invitae Variant Classification Sherloc (09022015). Collection method: clinical testing. Allele origin: germline.

Ambry Genetics
Classification: Likely benign for Cystic fibrosis. Last evaluated: 2022-02-15. Review status: criteria provided, single submitter. Criteria: Ambry Variant Classification Scheme 2023. Collection method: clinical testing. Allele origin: germline.

Genome-Nilou Lab
Classification: Likely benign for Cystic fibrosis. Last evaluated: 2021-07-22. Review status: criteria provided, single submitter. Criteria: ACMG Guidelines, 2015. Collection method: clinical testing. Allele origin: germline. Affected: no.

ARUP Laboratories, Molecular Genetics and Genomics, ARUP Laboratories
Classification: Likely benign. Last evaluated: 2020-05-29. Review status: criteria provided, single submitter. Criteria: ARUP Molecular Germline Variant Investigation Process. Collection method: clinical testing. Allele origin: germline.

Eurofins Ntd Llc (ga)
Classification: Uncertain significance. Last evaluated: 2016-01-26. Review status: criteria provided, single submitter. Criteria: EGL Classification Definitions 2015. Collection method: clinical testing. Allele origin: germline. Observed: 1 variant allele, 1 heterozygote.

NM_000492.4(CFTR):c.960A>G (p.Leu320=)

Gene: CFTR (CF transmembrane conductance regulator; plus strand). Cytogenetic location: 7q31.2.
Variant type: single nucleotide variant.
Coding change: c.960A>G on transcript NM_000492.4 (MANE Select); coding-DNA position 960, A replaced by G.
Protein change: p.Leu320=; no amino-acid change (leucine 320 retained).
Molecular consequence: synonymous variant.
Genome position (GRCh38, 1-based): chr7:117,540,190, A>G. VCF-style: chr7-117540190-A-G. GRCh37 (hg19) VCF-style: chr7-117180244-A-G.
Identifiers: ClinVar variation 285419 (VCV000285419.26), dbSNP rs56093012, ClinGen allele CA10605106.